The following is an entry in ClinVar:

NC_000007.14:g.(117606754_117610518)_(117614714_117627521)del

Gene: CFTR (CF transmembrane conductance regulator; plus strand). Cytogenetic location: 7q31.2.
Variant type: Deletion.
Identifiers: ClinVar variation 982013 (VCV000982013.1).

ClinVar aggregate classification (germline): Pathogenic (1 of 4 stars; one submission).

Conditions:
Cystic fibrosis (CF). Also called: MUCOVISCIDOSIS. Identifiers: Orphanet 586, MedGen C0010674, MONDO:0009061, OMIM 219700. Disease mechanism: loss of function.

Submission:

Women's Health and Genetics/Laboratory Corporation of America, LabCorp
Classification: Pathogenic for Cystic fibrosis. Last evaluated: 2020-08-26. Review status: criteria provided, single submitter. Criteria: LabCorp Variant Classification Summary - May 2015. Collection method: clinical testing. Allele origin: germline.
Comment: Variant summary: The variant identified by MLPA or other technology involves the deletion of exons 19-21 (legacy numbering exons 17a-18) in the CFTR gene. A presumed nomenclature of c.(2988+1_2989-1)_(3468+1_3469-1)del has been designated for the purposes of this classification. Although exact breakpoints of this deletion are not known, it is expected to result in a large in-frame deletion change in the CFTR gene, a known mechanism of disease. The variant was absent in 21694 control chromosomes (gnomAD, Structural Variants dataset). Deletion of exons 19-21 [also known as c.2988+1Kbdel8.6Kb (3120+1kbdel8.6kb) and as c.2988+1173_3468+2111del8899] has been reported in the literature in the compound heterozygous or homozygous state, in multiple individuals affected with Cystic Fibrosis (e.g. Essawi_2015, Claustres_2017). These data indicate that the variant is very likely to be associated with disease. Two ClinVar submitters including an expert panel (CFTR2) (evaluation after 2014) cite the variant as pathogenic. Based on the evidence outlined above, the variant was classified as pathogenic.

Literature cited by the submitters: PubMed 28603918; PubMed 25688174.